The following is an entry in ClinVar:

ClinVar aggregate classification (germline): Uncertain significance (1 of 4 stars; one submission).

Submission:

Labcorp Genetics (formerly Invitae), Labcorp
Classification: Uncertain significance. Last evaluated: 2022-11-14. Review status: criteria provided, single submitter. Criteria: Invitae Variant Classification Sherloc (09022015). Collection method: clinical testing. Allele origin: germline.
Comment: This sequence change replaces alanine, which is neutral and non-polar, with glycine, which is neutral and non-polar, at codon 44 of the CLCN7 protein (p.Ala44Gly). This variant is not present in population databases (gnomAD no frequency). This variant has not been reported in the literature in individuals affected with CLCN7-related conditions. Advanced modeling of protein sequence and biophysical properties (such as structural, functional, and spatial information, amino acid conservation, physicochemical variation, residue mobility, and thermodynamic stability) performed at Invitae indicates that this missense variant is not expected to disrupt CLCN7 protein function. In summary, the available evidence is currently insufficient to determine the role of this variant in disease. Therefore, it has been classified as a Variant of Uncertain Significance.

NM_001287.6(CLCN7):c.131C>G (p.Ala44Gly)

Genes: CLCN7 (chloride voltage-gated channel 7; minus strand), LOC130058166 (ATAC-STARR-seq lymphoblastoid silent region 6986; plus strand). Cytogenetic location: 16p13.3.
Variant type: single nucleotide variant.
Coding change: c.131C>G on transcript NM_001287.6 (MANE Select); coding-DNA position 131, C replaced by G.
Protein change: p.Ala44Gly; replaces alanine 44 with glycine.
Molecular consequence: missense variant.
Genome position (GRCh38, 1-based): chr16:1,474,844, G>C on the plus strand (C>G on the coding strand, the complement: CLCN7 is on the minus strand). VCF-style: chr16-1474844-G-C. GRCh37 (hg19) VCF-style: chr16-1524845-G-C.
Other names: c.131C>G, p.Ala44Gly (NM_001114331.3); short protein forms A44G.
Identifiers: ClinVar variation 2011959 (VCV002011959.4), dbSNP rs1460371293, ClinGen allele CA394193991.
Genomic context (GRCh38, chr16:1,474,844, plus strand): 5'-CGGGGCGCACGAGGGCTCAGTTTCCCCGCCTGCGCCCTGCCCGGCCTCACCTGGCGCGCA[G>C]CCCCAGGCCCAGCCCCGTTCAGCAGCGGCGTCCCCCCGCCGGGCCGCGCCGTCCTCCGCA-3'
Protein context (NP_001278.1, residues 34-54): TPLLNGAGPG[Ala44Gly]ARQSPRSALF